The following is an entry in ClinVar:

ClinVar aggregate classification (germline): Uncertain significance (1 of 4 stars; one submission).

Conditions:
Inborn genetic diseases. Identifiers: MedGen C0950123, MeSH D030342.

Allele frequency attached by ClinVar (database versions not stated): TOPMed below 0.00001; ExAC 0.00001.

Submission:

Ambry Genetics
Classification: Uncertain significance for Inborn genetic diseases. Last evaluated: 2022-03-15. Review status: criteria provided, single submitter. Criteria: Ambry Variant Classification Scheme 2023. Collection method: clinical testing. Allele origin: germline.
Comment: The c.1891A>G (p.S631G) alteration is located in coding exon 10 of the KNL1 gene. This alteration results from a A to G substitution at nucleotide position 1891, causing the serine (S) at amino acid position 631 to be replaced by a glycine (G). This allele was reported in one heterozygous individual in population-based cohorts in the Genome Aggregation Database (gnomAD). This amino acid position is not well conserved in available vertebrate species. This alteration is predicted to be tolerated by in silico analysis. Based on insufficient or conflicting evidence, the clinical significance of this alteration remains unclear.

NM_144508.5(KNL1):c.1813A>G (p.Ser605Gly)

Gene: KNL1 (kinetochore scaffold 1; plus strand). Cytogenetic location: 15q15.1.
Variant type: single nucleotide variant.
Coding change: c.1813A>G on transcript NM_144508.5 (MANE Select); coding-DNA position 1813, A replaced by G.
Protein change: p.Ser605Gly; replaces serine 605 with glycine.
Molecular consequence: missense variant.
Genome position (GRCh38, 1-based): chr15:40,622,077, A>G. VCF-style: chr15-40622077-A-G. GRCh37 (hg19) VCF-style: chr15-40914275-A-G.
Other names: c.1891A>G, p.Ser631Gly (NM_170589.5); short protein forms S605G, S631G.
Identifiers: ClinVar variation 2275646 (VCV002275646.3), dbSNP rs747604534, ClinGen allele CA7482741.